The following is an entry in ClinVar:

NM_032608.7(MYO18B):c.7430C>T (p.Thr2477Met)

Gene: MYO18B (myosin XVIIIB; plus strand). Cytogenetic location: 22q12.1.
Variant type: single nucleotide variant.
Coding change: c.7430C>T on transcript NM_032608.7 (MANE Select); coding-DNA position 7430, C replaced by T.
Protein change: p.Thr2477Met; replaces threonine 2477 with methionine.
Molecular consequence: missense variant.
Genome position (GRCh38, 1-based): chr22:26,027,404, C>T. VCF-style: chr22-26027404-C-T. GRCh37 (hg19) VCF-style: chr22-26423370-C-T.
Other names: c.7430C>T (NM_032608.5); c.7433C>T, p.Thr2478Met (NM_001318245.2); short protein forms T2477M, T2478M.
Identifiers: ClinVar variation 1917323 (VCV001917323.3), dbSNP rs757975533, ClinGen allele CA10161775.

ClinVar aggregate classification (germline): Uncertain significance. Review status: criteria provided, multiple submitters, no conflicts (2 of 4 stars). 2 submissions from 2 submitters: Uncertain significance (2). Last evaluated 2025-10-14.

Conditions:
Inborn genetic diseases. Identifiers: MedGen C0950123, MeSH D030342.

Allele frequency attached by ClinVar (database versions not stated): TOPMed 0.00002; gnomAD exomes 0.00006; gnomAD 0.00001; ExAC 0.00003.
gnomAD v4.1: 82 of 1,613,838 alleles (0.0051%); highest among the groups gnomAD compares: Non-Finnish European, 0.0065%; no homozygotes.

Submissions (2):

Ambry Genetics
Classification: Uncertain significance for Inborn genetic diseases. Last evaluated: 2025-10-14. Review status: criteria provided, single submitter. Criteria: Ambry Variant Classification Scheme 2023. Collection method: clinical testing. Allele origin: germline.

Labcorp Genetics (formerly Invitae), Labcorp
Classification: Uncertain significance. Last evaluated: 2022-01-21. Review status: criteria provided, single submitter. Criteria: Invitae Variant Classification Sherloc (09022015). Collection method: clinical testing. Allele origin: germline.
Comment: This sequence change replaces threonine, which is neutral and polar, with methionine, which is neutral and non-polar, at codon 2477 of the MYO18B protein (p.Thr2477Met). This variant is present in population databases (rs757975533, gnomAD 0.006%). This variant has not been reported in the literature in individuals affected with MYO18B-related conditions. Algorithms developed to predict the effect of missense changes on protein structure and function output the following: SIFT: "Not Available"; PolyPhen-2: "Benign"; Align-GVGD: "Not Available". The methionine amino acid residue is found in multiple mammalian species, which suggests that this missense change does not adversely affect protein function. In summary, the available evidence is currently insufficient to determine the role of this variant in disease. Therefore, it has been classified as a Variant of Uncertain Significance.